The following is an entry in ClinVar:

ClinVar aggregate classification (germline): Likely pathogenic (1 of 4 stars; one submission).

Allele frequency attached by ClinVar (database versions not stated): gnomAD exomes below 0.00001.
gnomAD v4.1: 2 of 1,613,562 alleles (0.00012%); highest among the groups gnomAD compares: East Asian, 0.0022%; no homozygotes.

Submission:

Labcorp Genetics (formerly Invitae), Labcorp
Classification: Likely pathogenic. Last evaluated: 2023-08-04. Review status: criteria provided, single submitter. Criteria: Invitae Variant Classification Sherloc (09022015). Collection method: clinical testing. Allele origin: germline.
Comment: In summary, the currently available evidence indicates that the variant is pathogenic, but additional data are needed to prove that conclusively. Therefore, this variant has been classified as Likely Pathogenic. This sequence change affects an acceptor splice site in intron 23 of the ABCA12 gene. It is expected to disrupt RNA splicing. Variants that disrupt the donor or acceptor splice site typically lead to a loss of protein function (PMID: 16199547), and loss-of-function variants in ABCA12 are known to be pathogenic (PMID: 20672373). This variant is not present in population databases (gnomAD no frequency). Disruption of this splice site has been observed in individual(s) with harlequin ichthyosis (PMID: 25766764). Algorithms developed to predict the effect of sequence changes on RNA splicing suggest that this variant may disrupt the consensus splice site.

Literature cited by the submitters: PubMed 16199547; PubMed 20672373; PubMed 25766764.

NM_173076.3(ABCA12):c.3295-1G>A

Gene: ABCA12 (ATP binding cassette subfamily A member 12; minus strand). Cytogenetic location: 2q35.
Variant type: single nucleotide variant.
Coding change: c.3295-1G>A on transcript NM_173076.3 (MANE Select); the canonical splice acceptor site of the intron before coding-DNA position 3295, G replaced by A.
Molecular consequence: splice acceptor variant.
Genome position (GRCh38, 1-based): chr2:214,991,032, C>T on the plus strand (G>A on the coding strand, the complement: ABCA12 is on the minus strand). VCF-style: chr2-214991032-C-T. GRCh37 (hg19) VCF-style: chr2-215855756-C-T.
Other names: c.2341-1G>A (NM_015657.4).
Identifiers: ClinVar variation 2734379 (VCV002734379.3), dbSNP rs2469258564, ClinGen allele CA350469904.